The following is an entry in ClinVar:

NM_001854.4(COL11A1):c.1998+4_1998+5delinsAT

Gene: COL11A1 (collagen type XI alpha 1 chain; minus strand). Cytogenetic location: 1p21.1.
Variant type: Indel.
Coding change: c.1998+4_1998+5delinsAT on transcript NM_001854.4 (MANE Select); bases 4 to 5 of the intron after coding-DNA position 1998, TG replaced by AT.
Molecular consequence: intron variant.
Genome position (GRCh38, 1-based): chr1:103,003,210-103,003,211, CA replaced by AT on the plus strand (TG replaced by AT on the coding strand, the reverse complement: COL11A1 is on the minus strand). VCF-style: chr1-103003210-CA-AT. GRCh37 (hg19) VCF-style: chr1-103468766-CA-AT.
Other names: c.1881+4_1881+5delinsAT (NM_001190709.2); c.2034+4_2034+5delinsAT (NM_080629.3); c.1650+4_1650+5delinsAT (NM_080630.4).
Identifiers: ClinVar variation 1305117 (VCV001305117.4), dbSNP rs2101835613, ClinGen allele CA2573051323.
Genomic context (GRCh38, chr1:103,003,210, plus strand): 5'-TGGCCTCTAAAAGGTTGGCAACAAGCTTTCCCTAGAAAATCTTCAATGTTTCCAGCAATA[CA>AT]TACAGGCTGCCCTGGAGCTCCTGGAGTTCCCCTTGGACCCAGCAAACCTCGTGGGCCCTA-3'

ClinVar aggregate classification (germline): Uncertain significance. Review status: criteria provided, multiple submitters, no conflicts (2 of 4 stars). 3 submissions from 3 submitters: Uncertain significance (3). Last evaluated 2025-07-07.

Conditions:
COL11A1-related disorder. Also called: COL11A1-related condition; COL11A1-related disorders.

Submissions (3):

3billion
Classification: Uncertain significance for COL11A1-related disorder. Last evaluated: 2025-07-07. Review status: criteria provided, single submitter. Criteria: ACMG Guidelines, 2015. Collection method: clinical testing. Allele origin: germline. Affected: yes.
Comment: The variant is observed at an extremely low frequency in the gnomAD v4.1.0 dataset (total allele frequency: <0.001%). Predicted Consequence/Location: Intron variant In silico tools predict the variant to alter splicing and produce an abnormal transcript [SpliceAI: 0.61 (>=0.2, moderate evidence for spliceogenicity)]. Therefore, this variant is classified as VUS according to the recommendation of ACMG/AMP guideline.

Labcorp Genetics (formerly Invitae), Labcorp
Classification: Uncertain significance. Last evaluated: 2025-06-27. Review status: criteria provided, single submitter. Criteria: Invitae Variant Classification Sherloc (09022015). Collection method: clinical testing. Allele origin: germline.
Comment: This sequence change falls in intron 21 of the COL11A1 gene. It does not directly change the encoded amino acid sequence of the COL11A1 protein. It affects a nucleotide within the consensus splice site. Information on the frequency of this variant in the gnomAD database is not available, as this variant may be reported differently in the database. This variant has not been reported in the literature in individuals affected with COL11A1-related conditions. ClinVar contains an entry for this variant (Variation ID: 1305117). Variants that disrupt the consensus splice site are a relatively common cause of aberrant splicing (PMID: 17576681, 9536098). In summary, the available evidence is currently insufficient to determine the role of this variant in disease. Therefore, it has been classified as a Variant of Uncertain Significance.

GeneDx
Classification: Uncertain significance. Last evaluated: 2019-04-12. Review status: criteria provided, single submitter. Criteria: GeneDx Variant Classification Process June 2021. Collection method: clinical testing. Allele origin: germline. Affected: yes.
Comment: Has not been previously published as pathogenic or benign to our knowledge; Not observed in large population cohorts (Lek et al., 2016); In-silico analysis, which includes splice predictors and evolutionary conservation, is inconclusive as to whether the variant alters gene splicing; In the absence of RNA/functional studies, the actual effect of this sequence change is unknown

Literature cited by the submitters: PubMed 17576681 (cited by Labcorp Genetics (formerly Invitae), Labcorp); PubMed 9536098 (cited by Labcorp Genetics (formerly Invitae), Labcorp).